The following is an entry in ClinVar:

ClinVar aggregate classification (germline): Uncertain significance (1 of 4 stars; one submission).

Conditions:
Ehlers-Danlos syndrome, classic type, 1 (EDSCL1). Also called: EHLERS-DANLOS SYNDROME, GRAVIS TYPE; EHLERS-DANLOS SYNDROME, SEVERE CLASSIC TYPE; Ehlers-Danlos syndrome, type 1; Ehlers-Danlos Syndrome, Classic Type, COL5A1-Related; EDS I. Identifiers: MedGen C0268335, MONDO:0019567, OMIM 130000.
Osteogenesis imperfecta type I (OI1). Also called: OI, TYPE I; OSTEOGENESIS IMPERFECTA TARDA; OSTEOGENESIS IMPERFECTA WITH BLUE SCLERAE; Osteogenesis imperfecta type 1; Lobstein's Disease; Lobstein disease. Identifiers: Orphanet 216796, Orphanet 666, MedGen C0023931, MONDO:0008146, OMIM 166200. Disease mechanism: loss of function.

Submission:

Labcorp Genetics (formerly Invitae), Labcorp
Classification: Uncertain significance for Osteogenesis imperfecta type I; Ehlers-Danlos syndrome, classic type, 1. Last evaluated: 2024-01-25. Review status: criteria provided, single submitter. Criteria: Invitae Variant Classification Sherloc (09022015). Collection method: clinical testing. Allele origin: germline.
Comment: This variant results in a copy number gain of the genomic region encompassing exon(s) 22-52 of the COL1A2 gene. This region includes the termination codon of the gene. This copy number gain extends beyond the assayed region for this gene and therefore may encompass additional genes. As the precise location of this event is unknown, it may be in tandem or it may be located elsewhere in the genome. This variant has not been reported in the literature in individuals affected with COL1A2-related conditions. Experimental studies and prediction algorithms are not available or were not evaluated, and the functional significance of this variant is currently unknown. In summary, the available evidence is currently insufficient to determine the role of this variant in disease. Therefore, it has been classified as a Variant of Uncertain Significance.

NC_000007.13:g.(?_94040181)_(94059705_?)dup

Gene: COL1A2 (collagen type I alpha 2 chain; plus strand). Cytogenetic location: 7q21.3.
Variant type: Duplication.
Identifiers: ClinVar variation 1465617 (VCV001465617.7).